The following is an entry in ClinVar:

NM_000424.4(KRT5):c.681G>A (p.Arg227=)

Genes: KRT5 (keratin 5; minus strand), LOC126861526 (BRD4-independent group 4 enhancer GRCh37_chr12:52912066-52913265; plus strand). Cytogenetic location: 12q13.13.
Variant type: single nucleotide variant.
Coding change: c.681G>A on transcript NM_000424.4 (MANE Select); coding-DNA position 681, G replaced by A.
Protein change: p.Arg227=; no amino-acid change (arginine 227 retained).
Molecular consequence: synonymous variant.
Genome position (GRCh38, 1-based): chr12:52,519,035, C>T on the plus strand (G>A on the coding strand, the complement: KRT5 is on the minus strand). VCF-style: chr12-52519035-C-T. GRCh37 (hg19) VCF-style: chr12-52912819-C-T.
Identifiers: ClinVar variation 2643029 (VCV002643029.24), dbSNP rs775727503, ClinGen allele CA6582780.

ClinVar aggregate classification (germline): Likely benign (1 of 4 stars; one submission).

Allele frequency attached by ClinVar (database versions not stated): gnomAD 0.00001; gnomAD exomes 0.00001; ExAC 0.00004.

Submission:

CeGaT Center for Human Genetics Tuebingen
Classification: Likely benign. Last evaluated: 2023-03-01. Review status: criteria provided, single submitter. Criteria: CeGaT Center For Human Genetics Tuebingen Variant Classification Criteria Version 2. Collection method: clinical testing. Allele origin: germline. Affected: yes. Observed: 2 variant alleles.
Comment: KRT5: BP4, BP7